The following is an entry in ClinVar:

ClinVar aggregate classification (germline): Conflicting classifications of pathogenicity. Review status: criteria provided, conflicting classifications (1 of 4 stars). 9 submissions from 9 submitters: Pathogenic (1); Likely pathogenic (5); Uncertain significance (1). 2 of the submissions do not count toward it. Last evaluated 2026-09-04.

Conditions:
Neurometabolic disorder due to serine deficiency. Identifiers: Orphanet 35705, MedGen C5680148, MONDO:0018162.
PHGDH deficiency. Identifiers: Orphanet 79351, MedGen C1866174, MONDO:0011152, OMIM 601815.
Neu-Laxova syndrome 1 (NLS1). Identifiers: Orphanet 2671, Orphanet 583607, MedGen C4551478, MONDO:0009736, OMIM 256520. Disease mechanism: loss of function.

Allele frequency attached by ClinVar (database versions not stated): TOPMed 0.00002.
gnomAD v4.1: 18 of 1,613,984 alleles (0.0011%); highest among the groups gnomAD compares: Admixed American, 0.005%; no homozygotes.

Submissions (9):

Myriad Genetics, Inc.
Classification: Uncertain significance for Neurometabolic disorder due to serine deficiency. Last evaluated: 2026-09-04. Review status: criteria provided, single submitter. Criteria: Myriad Autosomal Dominant, Autosomal Recessive and X-Linked Classification Criteria (2023). Collection method: clinical testing. Allele origin: unknown.
Comment: NM_006623.3(PHGDH):c.403C>T(R135W) is a missense variant classified as a variant of uncertain significance in the context of serine deficiency disorder, PHGDH-related. R135W has been observed in cases with relevant disease (PMID: 26610677, 19235232). Relevant functional assessments of this variant are available in the literature (PMID: 19235232). Internal structural analysis of the variant is supportive of pathogenicity. R135W has been observed in referenced population frequency databases. In summary, there is insufficient evidence to classify NM_006623.3(PHGDH):c.403C>T(R135W) as pathogenic or benign. Please note: this variant was assessed in the context of healthy population screening.

Labcorp Genetics (formerly Invitae), Labcorp
Classification: Pathogenic for PHGDH deficiency. Last evaluated: 2025-05-02. Review status: criteria provided, single submitter. Criteria: Invitae Variant Classification Sherloc (09022015). Collection method: clinical testing. Allele origin: germline.
Comment: This sequence change replaces arginine, which is basic and polar, with tryptophan, which is neutral and slightly polar, at codon 135 of the PHGDH protein (p.Arg135Trp). This variant is present in population databases (rs267606949, gnomAD 0.006%). This missense change has been observed in individual(s) with PHGDH-related conditions (PMID: 19235232, 22886422, 26610677). In at least one individual the data is consistent with being in trans (on the opposite chromosome) from a pathogenic variant. ClinVar contains an entry for this variant (Variation ID: 3870). Invitae Evidence Modeling of protein sequence and biophysical properties (such as structural, functional, and spatial information, amino acid conservation, physicochemical variation, residue mobility, and thermodynamic stability) has been performed for this missense variant. However, the output from this modeling did not meet the statistical confidence thresholds required to predict the impact of this variant on PHGDH protein function. For these reasons, this variant has been classified as Pathogenic.

Fulgent Genetics
Classification: Likely pathogenic for Neu-Laxova syndrome 1; PHGDH deficiency. Last evaluated: 2024-05-15. Review status: criteria provided, single submitter. Criteria: ACMG Guidelines, 2015. Collection method: clinical testing. Allele origin: germline.

Natera, Inc.
Classification: Likely pathogenic for Phosphoglycerate dehydrogenase deficiency. Last evaluated: 2024-02-29. Review status: criteria provided, single submitter. Criteria: Natera Variant Classification Schema (03/2026). Collection method: clinical testing. Allele origin: germline.
Comment: The c.403C>T variant in PHGDH is a missense variant predicted to cause substitution of arginine to tryptophan at amino acid 135. This variant is rare in the general population with a frequency below the threshold expected for the associated phenotype(s). This variant has been observed in one or more individuals affected with the associated recessive disease, as either homozygous or compound heterozygous with a second variant (PMID: 19235232, 26610677). This variant has been identified in one or more affected individual with a phenotype highly consistent with the associated gene (PMID: 26610677). Computational prediction algorithms indicate this variant is likely to affect gene or protein function. Given the available evidence, this variant is classified as Likely Pathogenic.

GeneDx
Classification: Likely pathogenic. Last evaluated: 2023-06-15. Review status: criteria provided, single submitter. Criteria: GeneDx Variant Classification Process June 2021. Collection method: clinical testing. Allele origin: germline. Affected: yes.
Comment: Reported previously in two unrelated patients with congenital microcephaly, seizures, and severely reduced L-serine in CSF, who also harbored a second variant in PHGDH, phase unknown (PMID: 19235232, 26610677); Published functional studies demonstrate a damaging effect and show that this variant decreases PHGDH enzyme activity (PMID: 19235232, 33753166); Not observed at significant frequency in large population cohorts (gnomAD); In silico analysis supports that this missense variant has a deleterious effect on protein structure/function; This variant is associated with the following publications: (PMID: 24836451, 33753166, 19235232, 19963421, 26610677, 32594192, 27959531)

CeGaT Center for Human Genetics Tuebingen
Classification: Likely pathogenic. Last evaluated: 2020-02-01. Review status: criteria provided, single submitter. Criteria: CeGaT Center For Human Genetics Tuebingen Variant Classification Criteria Version 2. Collection method: clinical testing. Allele origin: germline. Affected: yes. Observed: 1 variant allele.

Juno Genomics, Hangzhou Juno Genomics, Inc
Classification: Likely pathogenic for PHGDH deficiency. Review status: criteria provided, single submitter. Criteria: ACMG Guidelines, 2015. Collection method: clinical testing. Allele origin: germline.
Comment: Absent from controls (or at extremely low frequency if recessive) in Genome Aggregation Database.;Multiple lines of computational evidence support a deleterious effect on the gene or gene product.;For recessive disorders, detected in trans with a pathogenic variant.;Patient's phenotype or family history is highly specific for a disease with a single genetic etiology.

Counsyl
Classification: Uncertain significance for Neu-Laxova syndrome 1; PHGDH deficiency. Last evaluated: 2018-02-21. Review status: no assertion criteria provided. Collection method: clinical testing. Allele origin: unknown. Not counted in ClinVar's aggregate classification.

OMIM
Classification: Pathogenic for PHOSPHOGLYCERATE DEHYDROGENASE DEFICIENCY. Last evaluated: 2009-05-01. Review status: no assertion criteria provided. Collection method: literature only. Allele origin: germline. Not counted in ClinVar's aggregate classification.

Literature cited by the submitters: PubMed 19235232 (cited by 5 submitters); PubMed 26610677 (cited by 4 submitters); PubMed 22886422 (cited by Labcorp Genetics (formerly Invitae), Labcorp and Counsyl).

NM_006623.4(PHGDH):c.403C>T (p.Arg135Trp)

Gene: PHGDH (phosphoglycerate dehydrogenase; plus strand). Cytogenetic location: 1p12.
Variant type: single nucleotide variant.
Coding change: c.403C>T on transcript NM_006623.4 (MANE Select); coding-DNA position 403, C replaced by T.
Protein change: p.Arg135Trp; replaces arginine 135 with tryptophan.
Molecular consequence: missense variant.
Genome position (GRCh38, 1-based): chr1:119,726,897, C>T. VCF-style: chr1-119726897-C-T. GRCh37 (hg19) VCF-style: chr1-120269520-C-T.
Other names: short protein forms R135W.
Identifiers: ClinVar variation 3870 (VCV000003870.52), dbSNP rs267606949, ClinGen allele CA116478.